The following is an entry in ClinVar:

ClinVar aggregate classification (germline): Uncertain significance. Review status: criteria provided, multiple submitters, no conflicts (2 of 4 stars). 3 submissions from 3 submitters: Uncertain significance (3). Last evaluated 2025-05-06.

Conditions:
Hereditary cancer-predisposing syndrome. Also called: Neoplastic Syndromes, Hereditary; Tumor predisposition; Hereditary neoplastic syndrome; Hereditary Cancer Syndrome. Identifiers: Orphanet 140162, MedGen C0027672, MeSH D009386, MONDO:0015356.
Multiple endocrine neoplasia, type 2 (MEN2). Identifiers: Orphanet 653, MedGen C4048306, MONDO:0019003. Disease mechanism: gain of function.

Allele frequency attached by ClinVar (database versions not stated): gnomAD exomes below 0.00001.
gnomAD v4.1: 2 of 1,614,116 alleles (0.00012%); highest among the groups gnomAD compares: Non-Finnish European, 0.00017%; no homozygotes.

Submissions (3):

Ambry Genetics
Classification: Uncertain significance for Hereditary cancer-predisposing syndrome. Last evaluated: 2025-05-06. Review status: criteria provided, single submitter. Criteria: Ambry Variant Classification Scheme 2023. Collection method: clinical testing. Allele origin: germline.
Comment: The p.D469Y variant (also known as c.1405G>T), located in coding exon 7 of the RET gene, results from a G to T substitution at nucleotide position 1405. The aspartic acid at codon 469 is replaced by tyrosine, an amino acid with highly dissimilar properties. This amino acid position is well conserved in available vertebrate species. In addition, this alteration is predicted to be deleterious by in silico analysis. Based on the available evidence, the clinical significance of this variant remains unclear.

Quest Diagnostics Nichols Institute San Juan Capistrano
Classification: Uncertain significance. Last evaluated: 2023-10-18. Review status: criteria provided, single submitter. Criteria: Quest Diagnostics criteria. Collection method: clinical testing. Allele origin: unknown.

Labcorp Genetics (formerly Invitae), Labcorp
Classification: Uncertain significance for Multiple endocrine neoplasia, type 2. Last evaluated: 2022-03-23. Review status: criteria provided, single submitter. Criteria: Invitae Variant Classification Sherloc (09022015). Collection method: clinical testing. Allele origin: germline.
Comment: In summary, the available evidence is currently insufficient to determine the role of this variant in disease. Therefore, it has been classified as a Variant of Uncertain Significance. Algorithms developed to predict the effect of missense changes on protein structure and function (SIFT, PolyPhen-2, Align-GVGD) all suggest that this variant is likely to be disruptive. This variant has not been reported in the literature in individuals affected with RET-related conditions. This variant is present in population databases (no rsID available, gnomAD 0.0009%). This sequence change replaces aspartic acid, which is acidic and polar, with tyrosine, which is neutral and polar, at codon 469 of the RET protein (p.Asp469Tyr).

Literature cited by the submitters: PubMed 30560554 (cited by Quest Diagnostics Nichols Institute San Juan Capistrano).

NM_020975.6(RET):c.1405G>T (p.Asp469Tyr)

Gene: RET (ret proto-oncogene; plus strand). Cytogenetic location: 10q11.21.
Variant type: single nucleotide variant.
Coding change: c.1405G>T on transcript NM_020975.6 (MANE Select); coding-DNA position 1405, G replaced by T.
Protein change: p.Asp469Tyr; replaces aspartic acid 469 with tyrosine.
Molecular consequence: missense variant.
Genome position (GRCh38, 1-based): chr10:43,111,348, G>T. VCF-style: chr10-43111348-G-T. GRCh37 (hg19) VCF-style: chr10-43606796-G-T.
Other names: c.1405G>T, p.Asp469Tyr (NM_000323.2, NM_001406743.1, NM_001406744.1 and 6 more transcripts); c.643G>T, p.Asp215Tyr (NM_001355216.2); c.1276G>T, p.Asp426Tyr (NM_001406761.1, NM_001406762.1, NM_001406764.1 and 1 more transcripts); c.1117G>T, p.Asp373Tyr (NM_001406766.1, NM_001406767.1, NM_001406770.1); c.1009G>T, p.Asp337Tyr (NM_001406769.1, NM_001406772.1); c.967G>T, p.Asp323Tyr (NM_001406771.1, NM_001406773.1); c.880G>T, p.Asp294Tyr (NM_001406774.1); c.679G>T, p.Asp227Tyr (NM_001406775.1, NM_001406776.1, NM_001406777.1 and 1 more transcripts); and 1 more; short protein forms D215Y, D469Y, D337Y, D373Y, D294Y, D426Y, D139Y, D227Y.
Identifiers: ClinVar variation 1352598 (VCV001352598.11), dbSNP rs772489699, ClinGen allele CA376549443.